The following is an entry in ClinVar:

NM_021922.3(FANCE):c.1163CCT[1] (p.Ser389del)

Gene: FANCE (FA complementation group E; plus strand). Cytogenetic location: 6p21.31.
Variant type: Microsatellite.
Coding change: c.1163CCT[1] on transcript NM_021922.3 (MANE Select); one copy of the 3-base unit CCT starting at c.1163; the reference has two copies in a row; one copy, 3 bases deleted.
Protein change: p.Ser389del; deletes serine 389.
Molecular consequence: inframe deletion.
Genome position (GRCh38, 1-based): chr6:35,459,383-35,459,385, CCT deleted; deleting any 3 consecutive bases within chr6:35,459,380-35,459,385 gives the same sequence; the position shown is the placement nearest the transcript's 3' end. VCF-style (leftmost placement, unchanged base first): chr6-35459379-ACCT-A. GRCh37 (hg19) VCF-style: chr6-35427156-ACCT-A.
Other names: c.1163CCT[1], p.Ser389del (NM_001410876.1); short protein forms S389del.
Identifiers: ClinVar variation 4736636 (VCV004736636.1).

ClinVar aggregate classification (germline): Uncertain significance (1 of 4 stars; one submission).

Conditions:
Fanconi anemia complementation group E (FANCE). Also called: FANCE-Related Fanconi Anemia. Identifiers: Orphanet 84, MedGen C3160739, MONDO:0010953, OMIM 600901.

Submission:

Labcorp Genetics (formerly Invitae), Labcorp
Classification: Uncertain significance for Fanconi anemia complementation group E. Last evaluated: 2025-07-07. Review status: criteria provided, single submitter. Criteria: Invitae Variant Classification Sherloc (09022015). Collection method: clinical testing. Allele origin: germline.
Comment: This variant, c.1166_1168del, results in the deletion of 1 amino acid(s) of the FANCE protein (p.Ser389del), but otherwise preserves the integrity of the reading frame. This variant is present in population databases (rs758622556, gnomAD 0.004%). This variant has not been reported in the literature in individuals affected with FANCE-related conditions. In summary, the available evidence is currently insufficient to determine the role of this variant in disease. Therefore, it has been classified as a Variant of Uncertain Significance.